The following is an entry in ClinVar:

ClinVar aggregate classification (germline): Pathogenic. Review status: criteria provided, multiple submitters, no conflicts (2 of 4 stars). 4 submissions from 3 submitters: Pathogenic (2). 2 of the submissions do not count toward it. Last evaluated 2025-03-17.

Conditions:
Primary ciliary dyskinesia. Also called: Ciliary dyskinesia. Identifiers: Orphanet 244, MedGen C0008780, MONDO:0016575, HP:0012265.
Retinitis pigmentosa 3. Also called: CHOROIDORETINAL DEGENERATION WITH RETINAL REFLEX IN HETEROZYGOUS WOMEN. Identifiers: Orphanet 791, MedGen C1845667, MONDO:0010227, OMIM 300029.
Retinal dystrophy. Also called: Inherited retinal dystrophy. Identifiers: Orphanet 71862, MedGen C0854723, MeSH D058499, MONDO:0019118, HP:0000556.

Submissions (4):

Labcorp Genetics (formerly Invitae), Labcorp
Classification: Pathogenic for Primary ciliary dyskinesia. Last evaluated: 2025-03-17. Review status: criteria provided, single submitter. Criteria: Invitae Variant Classification Sherloc (09022015). Collection method: clinical testing. Allele origin: germline.
Comment: This sequence change creates a premature translational stop signal (p.Glu889*) in the RPGR (ORF15) gene. While this is not anticipated to result in nonsense mediated decay, it is expected to disrupt the last 264 amino acid(s) of the RPGR (ORF15) protein. This variant is not present in population databases (gnomAD no frequency). This premature translational stop signal has been observed in individual(s) with retinitis pigmentosa (PMID: 16387007). This variant is also known as ORF15+912G>T. ClinVar contains an entry for this variant (Variation ID: 866162). This variant disrupts a region of the RPGR (ORF15) protein in which other variant(s) (p.Leu1130Lysfs*13) have been determined to be pathogenic (PMID: 22264887; internal data). This suggests that this is a clinically significant region of the protein, and that variants that disrupt it are likely to be disease-causing. For these reasons, this variant has been classified as Pathogenic.

Blueprint Genetics
Classification: Pathogenic for Retinal dystrophy. Last evaluated: 2018-08-01. Review status: criteria provided, single submitter. Criteria: Blueprint Genetics Variant Classification Scheme. Collection method: clinical testing. Allele origin: germline. Affected: yes.

OMIM
Classification: Pathogenic for RETINITIS PIGMENTOSA 3. Last evaluated: 2006-01-01. Review status: no assertion criteria provided. Collection method: literature only. Allele origin: germline. Not counted in ClinVar's aggregate classification.

Blueprint Genetics
Classification: Pathogenic for Retinitis pigmentosa 3. Review status: no assertion criteria provided. Collection method: clinical testing. Allele origin: germline. Affected: yes. Not counted in ClinVar's aggregate classification.

Literature cited by the submitters: PubMed 16387007 (cited by Labcorp Genetics (formerly Invitae), Labcorp and OMIM); PubMed 22264887 (cited by Labcorp Genetics (formerly Invitae), Labcorp).

NM_001034853.2(RPGR):c.2665G>T (p.Glu889Ter)

Gene: RPGR (retinitis pigmentosa GTPase regulator; minus strand). Cytogenetic location: Xp11.4.
Variant type: single nucleotide variant.
Coding change: c.2665G>T on transcript NM_001034853.2 (MANE Select); coding-DNA position 2665, G replaced by T.
Protein change: p.Glu889Ter; replaces glutamic acid 889 with a stop codon.
Molecular consequence: nonsense. On other transcripts: intron variant (8).
Genome position (GRCh38, 1-based): chrX:38,286,334, C>A on the plus strand (G>T on the coding strand, the complement: RPGR is on the minus strand). VCF-style: chrX-38286334-C-A. GRCh37 (hg19) VCF-style: chrX-38145587-C-A.
Other names: ORF15 + 912G >T; 912G-T; c.1569+4625G>T (NM_001367249.1, NM_001367250.1); c.1902+760G>T (NM_001367245.1); c.1386+4625G>T (NM_001367251.1); c.1719+760G>T (NM_001367246.1); c.1572+4625G>T (NM_001367247.1); c.1905+760G>T (NM_000328.3); and 1 more; short protein forms E889*.
Identifiers: ClinVar variation 866162 (VCV000866162.8), dbSNP rs2067163605, ClinGen allele CA412730085.